The following is an entry in ClinVar:

ClinVar aggregate classification (germline): Likely benign. Review status: criteria provided, multiple submitters, no conflicts (2 of 4 stars). 3 submissions from 3 submitters: Likely benign (3). Last evaluated 2026-01-28.

Conditions:
Hereditary cancer-predisposing syndrome. Also called: Tumor predisposition; Hereditary neoplastic syndrome; Neoplastic Syndromes, Hereditary; Hereditary Cancer Syndrome. Identifiers: Orphanet 140162, MedGen C0027672, MeSH D009386, MONDO:0015356.
Ataxia-telangiectasia syndrome (AT). Also called: Ataxia-telangiectasia, complementation group D; AT, COMPLEMENTATION GROUP C; ATAXIA-TELANGIECTASIA, COMPLEMENTATION GROUP A; ATAXIA-TELANGIECTASIA, FRESNO VARIANT; Ataxia-telangiectasia; LOUIS-BAR SYNDROME. Identifiers: Orphanet 100, MedGen C0004135, MONDO:0008840, OMIM 208900.
Familial cancer of breast. Also called: Hereditary breast cancer; BREAST CANCER, FAMILIAL; hereditary breast carcinoma. Identifiers: Orphanet 227535, MedGen C0346153, MONDO:0016419, OMIM 114480. Disease mechanism: loss of function.

Allele frequency attached by ClinVar (database versions not stated): ExAC 0.00001; TOPMed 0.00002.
gnomAD v4.1: 5 of 1,613,298 alleles (0.00031%); highest among the groups gnomAD compares: East Asian, 0.011%; no homozygotes.

Submissions (3):

Labcorp Genetics (formerly Invitae), Labcorp
Classification: Likely benign for Ataxia-telangiectasia syndrome. Last evaluated: 2026-01-28. Review status: criteria provided, single submitter. Criteria: Invitae Variant Classification Sherloc (09022015). Collection method: clinical testing. Allele origin: germline.

Myriad Genetics, Inc.
Classification: Likely benign for Familial cancer of breast. Last evaluated: 2024-06-03. Review status: criteria provided, single submitter. Criteria: Myriad Autosomal Dominant, Autosomal Recessive and X-Linked Classification Criteria (2023). Collection method: clinical testing. Allele origin: unknown.
Comment: This variant is considered likely benign. This variant is intronic and is not expected to impact mRNA splicing.

Color Diagnostics, LLC DBA Color Health
Classification: Likely benign for Hereditary cancer-predisposing syndrome. Last evaluated: 2018-03-16. Review status: criteria provided, single submitter. Criteria: ACMG Guidelines, 2015. Collection method: clinical testing. Allele origin: germline.

NM_000051.4(ATM):c.6096-20T>C

Genes: ATM (ATM serine/threonine kinase; plus strand), C11orf65 (chromosome 11 open reading frame 65; minus strand). Cytogenetic location: 11q22.3.
Variant type: single nucleotide variant.
Coding change: c.6096-20T>C on transcript NM_000051.4 (MANE Select); 20 bases into the intron before coding-DNA position 6096, T replaced by C.
Molecular consequence: intron variant.
Genome position (GRCh38, 1-based): chr11:108,315,991, T>C. VCF-style: chr11-108315991-T-C. GRCh37 (hg19) VCF-style: chr11-108186718-T-C.
Other names: c.6096-20T>C (NM_001351834.2); c.641-6920A>G (NM_001330368.2); c.*39-6920A>G (NM_001351110.2).
Identifiers: ClinVar variation 627884 (VCV000627884.11), dbSNP rs746766702, ClinGen allele CA6265862.